The following is an entry in ClinVar:

ClinVar aggregate classification (germline): Pathogenic (1 of 4 stars; one submission).

Conditions:
Bloom syndrome (BLM). Also called: Bloom-Torre-Machacek syndrome. Identifiers: Orphanet 125, MedGen C0005859, MONDO:0008876, OMIM 210900.

Allele frequency attached by ClinVar (database versions not stated): gnomAD exomes below 0.00001; ExAC 0.00001.

Submission:

Labcorp Genetics (formerly Invitae), Labcorp
Classification: Pathogenic for Bloom syndrome. Last evaluated: 2021-12-02. Review status: criteria provided, single submitter. Criteria: Invitae Variant Classification Sherloc (09022015). Collection method: clinical testing. Allele origin: germline.
Comment: This sequence change creates a premature translational stop signal (p.Tyr430*) in the BLM gene. It is expected to result in an absent or disrupted protein product. Loss-of-function variants in BLM are known to be pathogenic (PMID: 17407155). This variant is present in population databases (rs749512704, gnomAD 0.006%). This variant has not been reported in the literature in individuals affected with BLM-related conditions. For these reasons, this variant has been classified as Pathogenic.

Literature cited by the submitters: PubMed 17407155.

NM_000057.4(BLM):c.1289_1290insAT (p.Tyr430Ter)

Gene: BLM (BLM RecQ like helicase; plus strand). Cytogenetic location: 15q26.1.
Variant type: Insertion.
Coding change: c.1289_1290insAT on transcript NM_000057.4 (MANE Select); coding-DNA positions 1289 to 1290, AT inserted.
Protein change: p.Tyr430Ter; replaces tyrosine 430 with a stop codon.
Molecular consequence: nonsense.
Genome position: GRCh38 VCF-style: chr15-90760662-A-AAT. GRCh37 (hg19) VCF-style: chr15-91303892-A-AAT.
Other names: c.1289_1290insAT, p.Tyr430Ter (NM_001287246.2, NM_001287247.2); c.164_165insAT, p.Tyr55Ter (NM_001287248.2); short protein forms Y430*, Y55*.
Identifiers: ClinVar variation 1452830 (VCV001452830.1), dbSNP rs749512704, ClinGen allele CA7738516.